The following is an entry in ClinVar:

NM_001010888.4(ZC3H12B):c.2421C>T (p.Ile807=)

Gene: ZC3H12B (zinc finger CCCH-type containing 12B; plus strand). Cytogenetic location: Xq12.
Variant type: single nucleotide variant.
Coding change: c.2421C>T on transcript NM_001010888.4 (MANE Select); coding-DNA position 2421, C replaced by T.
Protein change: p.Ile807=; no amino-acid change (isoleucine 807 retained).
Molecular consequence: synonymous variant.
Genome position (GRCh38, 1-based): chrX:65,503,119, C>T. VCF-style: chrX-65503119-C-T. GRCh37 (hg19) VCF-style: chrX-64722999-C-T.
Identifiers: ClinVar variation 2660756 (VCV002660756.24), dbSNP rs776883982, ClinGen allele CA329956433.

ClinVar aggregate classification (germline): Likely benign (1 of 4 stars; one submission).

Allele frequency attached by ClinVar (database versions not stated): gnomAD 0.00001; TOPMed 0.00001.
gnomAD v4.1: 16 of 1,209,485 alleles (0.0013%); highest among the groups gnomAD compares: South Asian, 0.0035%; no homozygotes.

Submission:

CeGaT Center for Human Genetics Tuebingen
Classification: Likely benign. Last evaluated: 2022-11-01. Review status: criteria provided, single submitter. Criteria: CeGaT Center For Human Genetics Tuebingen Variant Classification Criteria Version 2. Collection method: clinical testing. Allele origin: germline. Affected: yes. Observed: 1 variant allele.
Comment: ZC3H12B: BP4, BP7